The following is an entry in ClinVar:

NM_001244008.2(KIF1A):c.1993G>T (p.Ala665Ser)

Gene: KIF1A (kinesin family member 1A; minus strand). Cytogenetic location: 2q37.3.
Variant type: single nucleotide variant.
Coding change: c.1993G>T on transcript NM_001244008.2 (MANE Select); coding-DNA position 1993, G replaced by T.
Protein change: p.Ala665Ser; replaces alanine 665 with serine.
Molecular consequence: missense variant.
Genome position (GRCh38, 1-based): chr2:240,763,048, C>A on the plus strand (G>T on the coding strand, the complement: KIF1A is on the minus strand). VCF-style: chr2-240763048-C-A. GRCh37 (hg19) VCF-style: chr2-241702465-C-A.
Other names: c.1993G>T, p.Ala665Ser (NM_001320705.2, NM_001330289.2, NM_001379638.1); c.2068G>T, p.Ala690Ser (NM_001330290.2, NM_001379631.1, NM_001379634.1 and 2 more transcripts); c.1966G>T, p.Ala656Ser (NM_001379632.1, NM_001379633.1, NM_001379636.1 and 10 more transcripts); c.2041G>T, p.Ala681Ser (NM_001379637.1, NM_001379648.1); short protein forms A656S, A665S, A690S, A681S.
Identifiers: ClinVar variation 424298 (VCV000424298.10), dbSNP rs780686801, ClinGen allele CA2208226.
Genomic context (GRCh38, chr2:240,763,048, plus strand): 5'-TGGGCAGGGAGGGCGGGGCCACGTCACTCACCAGCCGCTGCTGCTCCAGCAGGTAGGTGG[C>A]CTCCTCCCGCTCGCGGCGGTACTGGTCCTCCAGTTCCTGGAGCCTGCAAGGGGGCATTGG-3'
Protein context (NP_001230937.1, residues 655-675): EDQYRREREE[Ala665Ser]TYLLEQQRLD

ClinVar aggregate classification (germline): Uncertain significance. Review status: criteria provided, multiple submitters, no conflicts (2 of 4 stars). 3 submissions from 3 submitters: Uncertain significance (3). Last evaluated 2025-01-17.

Conditions:
Hereditary spastic paraplegia 30. Identifiers: Orphanet 101010, MedGen C5235139, MONDO:0012476.
Neuropathy, hereditary sensory, type 2C. Also called: Hereditary sensory and autonomic neuropathy type IIC; KIF1A-Related HSAN2 (HSAN2C). Identifiers: Orphanet 970, MedGen C3280168, MONDO:0013634, OMIM 614213.
Intellectual disability, autosomal dominant 9 (NESCAVS). Also called: KIF1A-Related Neurodevelopmental Disorder; NESCAV SYNDROME. Identifiers: Orphanet 662367, MedGen C5393830, MONDO:0013656, OMIM 614255.

Allele frequency attached by ClinVar (database versions not stated): gnomAD exomes 0.00001; ExAC 0.00003.
gnomAD v4.1: 51 of 1,534,390 alleles (0.0033%); highest among the groups gnomAD compares: Non-Finnish European, 0.0045%; no homozygotes.

Submissions (3):

ARUP Laboratories, Molecular Genetics and Genomics, ARUP Laboratories
Classification: Uncertain significance. Last evaluated: 2025-01-17. Review status: criteria provided, single submitter. Criteria: ARUP Molecular Germline Variant Investigation Process 2024. Collection method: clinical testing. Allele origin: germline.

Labcorp Genetics (formerly Invitae), Labcorp
Classification: Uncertain significance for Hereditary spastic paraplegia 30; Neuropathy, hereditary sensory, type 2C; Intellectual disability, autosomal dominant 9. Last evaluated: 2024-09-12. Review status: criteria provided, single submitter. Criteria: Invitae Variant Classification Sherloc (09022015). Collection method: clinical testing. Allele origin: germline.
Comment: This sequence change replaces alanine, which is neutral and non-polar, with serine, which is neutral and polar, at codon 656 of the KIF1A protein (p.Ala656Ser). The frequency data for this variant in the population databases is considered unreliable, as metrics indicate poor data quality at this position in the gnomAD database. This missense change has been observed in individual(s) with abnormal gait and mobility, septo-optic dysplasia of brain, cerebral palsy, effusion of the knees (internal data). ClinVar contains an entry for this variant (Variation ID: 424298). Invitae Evidence Modeling of protein sequence and biophysical properties (such as structural, functional, and spatial information, amino acid conservation, physicochemical variation, residue mobility, and thermodynamic stability) has been performed for this missense variant. However, the output from this modeling did not meet the statistical confidence thresholds required to predict the impact of this variant on KIF1A protein function. In summary, the available evidence is currently insufficient to determine the role of this variant in disease. Therefore, it has been classified as a Variant of Uncertain Significance.

GeneDx
Classification: Uncertain significance. Last evaluated: 2017-03-14. Review status: criteria provided, single submitter. Criteria: GeneDx Variant Classification (06012015). Collection method: clinical testing. Allele origin: germline. Affected: yes.
Comment: A variant of uncertain significance has been identified in the KIF1A gene. The A656S variant has not been published as a pathogenic variant, nor has it been reported as a benign variant to our knowledge. The A656S variant is not observed at a significant frequency in large population cohorts (Lek et al., 2016; 1000 Genomes Consortium et al., 2015; Exome Variant Server). The A656S variant is a non-conservative amino acid substitution, which is likely to impact secondary protein structure as these residues differ in polarity, charge, size and/or other properties. This substitution occurs at a position that is conserved across species, and in silico analysis predicts this variant is probably damaging to the protein structure/function. However, this amino acid substitution does not occur within the predicted motor domain of the protein, where all pathogenic missense KIF1A pathogenic variants have been identified to-date (Lee et al., 2014). Therefore, based on the currently available information, it is unclear whether this variant is a pathogenic variant or a rare benign variant.